The following is an entry in ClinVar:

NM_203446.3(SYNJ1):c.1481G>A (p.Arg494Gln)

Gene: SYNJ1 (synaptojanin 1; minus strand). Cytogenetic location: 21q22.11.
Variant type: single nucleotide variant.
Coding change: c.1481G>A on transcript NM_203446.3 (MANE Select); coding-DNA position 1481, G replaced by A.
Protein change: p.Arg494Gln; replaces arginine 494 with glutamine.
Molecular consequence: missense variant.
Genome position (GRCh38, 1-based): chr21:32,678,674, C>T on the plus strand (G>A on the coding strand, the complement: SYNJ1 is on the minus strand). VCF-style: chr21-32678674-C-T. GRCh37 (hg19) VCF-style: chr21-34050984-C-T.
Other names: c.1481G>A, p.Arg494Gln (NM_001160302.2); c.1490G>A, p.Arg497Gln (NM_001160306.2); c.1598G>A, p.Arg533Gln (NM_003895.4); short protein forms R533Q, R497Q, R494Q.
Identifiers: ClinVar variation 478327 (VCV000478327.5), dbSNP rs781599934, ClinGen allele CA10003896.

ClinVar aggregate classification (germline): Uncertain significance (1 of 4 stars; one submission).

Conditions:
Developmental and epileptic encephalopathy, 53. Also called: Epileptic encephalopathy, early infantile, 53. Identifiers: MedGen C4479313, MONDO:0033362, OMIM 617389.
Early-onset Parkinson disease 20. Also called: PARKINSON DISEASE 20, AUTOSOMAL RECESSIVE EARLY-ONSET. Identifiers: Orphanet 391411, MedGen C3809824, MONDO:0014233, OMIM 615530.

Allele frequency attached by ClinVar (database versions not stated): gnomAD 0.00001; gnomAD exomes 0.00001 and 0.00003; TOPMed 0.00003; ExAC 0.00005.
gnomAD v4.1: 9 of 1,609,750 alleles (0.00056%); highest among the groups gnomAD compares: African/African-American, 0.0027%; no homozygotes.

Submission:

Labcorp Genetics (formerly Invitae), Labcorp
Classification: Uncertain significance for Developmental and epileptic encephalopathy, 53; Early-onset Parkinson disease 20. Last evaluated: 2024-02-12. Review status: criteria provided, single submitter. Criteria: Invitae Variant Classification Sherloc (09022015). Collection method: clinical testing. Allele origin: germline.
Comment: This sequence change replaces arginine, which is basic and polar, with glutamine, which is neutral and polar, at codon 533 of the SYNJ1 protein (p.Arg533Gln). This variant is present in population databases (rs781599934, gnomAD 0.02%). This variant has not been reported in the literature in individuals affected with SYNJ1-related conditions. ClinVar contains an entry for this variant (Variation ID: 478327). Advanced modeling of protein sequence and biophysical properties (such as structural, functional, and spatial information, amino acid conservation, physicochemical variation, residue mobility, and thermodynamic stability) performed at Invitae indicates that this missense variant is expected to disrupt SYNJ1 protein function with a positive predictive value of 80%. In summary, the available evidence is currently insufficient to determine the role of this variant in disease. Therefore, it has been classified as a Variant of Uncertain Significance.